The following is an entry in ClinVar:

ClinVar aggregate classification (germline): Uncertain significance (1 of 4 stars; one submission).

Conditions:
Myofibrillar myopathy 5. Also called: Filaminopathy (type); FILAMINOPATHY, AUTOSOMAL DOMINANT. Identifiers: Orphanet 171445, MedGen C1836050, MONDO:0012289, OMIM 609524.
Distal myopathy with posterior leg and anterior hand involvement. Also called: WILLIAMS DISTAL MYOPATHY. Identifiers: Orphanet 63273, MedGen C3279722, MONDO:0013550, OMIM 614065.
Hypertrophic cardiomyopathy 26. Also called: Cardiomyopathy, familial hypertrophic, 26. Identifiers: Orphanet 75249, MedGen C4310749, MONDO:0014883, OMIM 617047.

Submission:

Labcorp Genetics (formerly Invitae), Labcorp
Classification: Uncertain significance for Distal myopathy with posterior leg and anterior hand involvement; Myofibrillar myopathy 5; Hypertrophic cardiomyopathy 26. Last evaluated: 2025-02-17. Review status: criteria provided, single submitter. Criteria: Invitae Variant Classification Sherloc (09022015). Collection method: clinical testing. Allele origin: germline.
Comment: This sequence change replaces proline, which is neutral and non-polar, with leucine, which is neutral and non-polar, at codon 2393 of the FLNC protein (p.Pro2393Leu). This variant is not present in population databases (gnomAD no frequency). This variant has not been reported in the literature in individuals affected with FLNC-related conditions. ClinVar contains an entry for this variant (Variation ID: 1479126). Invitae Evidence Modeling of protein sequence and biophysical properties (such as structural, functional, and spatial information, amino acid conservation, physicochemical variation, residue mobility, and thermodynamic stability) indicates that this missense variant is not expected to disrupt FLNC protein function with a negative predictive value of 95%. In summary, the available evidence is currently insufficient to determine the role of this variant in disease. Therefore, it has been classified as a Variant of Uncertain Significance.

NM_001458.5(FLNC):c.7178C>T (p.Pro2393Leu)

Genes: FLNC (filamin C; plus strand), FLNC-AS1 (FLNC antisense RNA 1; minus strand). Cytogenetic location: 7q32.1.
Variant type: single nucleotide variant.
Coding change: c.7178C>T on transcript NM_001458.5 (MANE Select); coding-DNA position 7178, C replaced by T.
Protein change: p.Pro2393Leu; replaces proline 2393 with leucine.
Molecular consequence: missense variant.
Genome position (GRCh38, 1-based): chr7:128,855,241, C>T. VCF-style: chr7-128855241-C-T. GRCh37 (hg19) VCF-style: chr7-128495295-C-T.
Other names: c.7079C>T, p.Pro2360Leu (NM_001127487.2); short protein forms P2393L, P2360L.
Identifiers: ClinVar variation 1479126 (VCV001479126.6), dbSNP rs2128939746, ClinGen allele CA369215716.
Genomic context (GRCh38, chr7:128,855,241, plus strand): 5'-ACTGGTCTCTCTCCCCAGGTGACTATGAGGTCTCCATCAAGTTCAATGATGAGCACATCC[C>T]AGACAGCCCCTTTGTGGTGCCTGTGGCCTCCCTCTCGGATGACGCTCGCCGTCTCACTGT-3'
Protein context (NP_001449.3, residues 2383-2403): VSIKFNDEHI[Pro2393Leu]DSPFVVPVAS